The following is an entry in ClinVar:

ClinVar aggregate classification (germline): Pathogenic (1 of 4 stars; one submission).

Submission:

Labcorp Genetics (formerly Invitae), Labcorp
Classification: Pathogenic. Last evaluated: 2022-11-30. Review status: criteria provided, single submitter. Criteria: Invitae Variant Classification Sherloc (09022015). Collection method: clinical testing. Allele origin: germline.
Comment: This variant is not present in population databases (gnomAD no frequency). This sequence change replaces histidine, which is basic and polar, with proline, which is neutral and non-polar, at codon 150 of the EDNRB protein (p.His150Pro). This missense change has been observed in individual(s) with autosomal dominant Waardenburg syndrome (Invitae). In at least one individual the variant was observed to be de novo. Advanced modeling of protein sequence and biophysical properties (such as structural, functional, and spatial information, amino acid conservation, physicochemical variation, residue mobility, and thermodynamic stability) performed at Invitae indicates that this missense variant is expected to disrupt EDNRB protein function. For these reasons, this variant has been classified as Pathogenic.

NM_001122659.3(EDNRB):c.449A>C (p.His150Pro)

Gene: EDNRB (endothelin receptor type B; minus strand). Cytogenetic location: 13q22.3.
Variant type: single nucleotide variant.
Coding change: c.449A>C on transcript NM_001122659.3 (MANE Select); coding-DNA position 449, A replaced by C.
Protein change: p.His150Pro; replaces histidine 150 with proline.
Molecular consequence: missense variant.
Genome position (GRCh38, 1-based): chr13:77,918,125, T>G on the plus strand (A>C on the coding strand, the complement: EDNRB is on the minus strand). VCF-style: chr13-77918125-T-G. GRCh37 (hg19) VCF-style: chr13-78492260-T-G.
Other names: c.449A>C, p.His150Pro (NM_000115.5, NM_003991.4); c.719A>C, p.His240Pro (NM_001201397.2); short protein forms H240P, H150P.
Identifiers: ClinVar variation 2810375 (VCV002810375.3), dbSNP rs1399198786, ClinGen allele CA388452313.